The following is an entry in ClinVar:

ClinVar aggregate classification (germline): Benign. Review status: criteria provided, multiple submitters, no conflicts (2 of 4 stars). 2 submissions from 2 submitters: Benign (2). Last evaluated 2016-03-29.

Allele frequency attached by ClinVar (database versions not stated): 1000 Genomes Project 30x 0.13039; 1000 Genomes Project 0.13159; TOPMed 0.16979; gnomAD 0.17409 and 0.17428; ESP Exome Variant Server 0.17836; ExAC 0.19633; gnomAD exomes 0.19856 and 0.22976.

Submissions (2):

Laboratory for Molecular Medicine, Mass General Brigham Personalized Medicine
Classification: Benign. Last evaluated: 2016-03-29. Review status: criteria provided, single submitter. Criteria: LMM Criteria. Collection method: clinical testing. Allele origin: germline.
Comment: Variant identified in a genome or exome case(s) and assessed due to predicted null impact of the variant or pathogenic assertions in the literature or databases. Disclaimer: This variant has not undergone full assessment. The following are preliminary notes: Frequency

Breakthrough Genomics
Classification: Benign. Review status: criteria provided, single submitter. Criteria: ACMG Guidelines, 2015. Collection method: not provided. Allele origin: germline. Inheritance: Unknown mechanism. Affected: yes.

NM_017576.4(KIF27):c.3439A>G (p.Met1147Val)

Gene: KIF27 (kinesin family member 27; minus strand). Cytogenetic location: 9q21.32.
Variant type: single nucleotide variant.
Coding change: c.3439A>G on transcript NM_017576.4 (MANE Select); coding-DNA position 3439, A replaced by G.
Protein change: p.Met1147Val; replaces methionine 1147 with valine.
Molecular consequence: missense variant.
Genome position (GRCh38, 1-based): chr9:83,850,216, T>C on the plus strand (A>G on the coding strand, the complement: KIF27 is on the minus strand). VCF-style: chr9-83850216-T-C. GRCh37 (hg19) VCF-style: chr9-86465131-T-C.
Other names: c.3241A>G, p.Met1081Val (NM_001271927.3); c.3148A>G, p.Met1050Val (NM_001271928.3); c.3046A>G, p.Met1016Val (NM_001354069.2); c.1999A>G, p.Met667Val (NM_001354070.2); c.1783A>G, p.Met595Val (NM_001354071.2); short protein forms M1147V, M667V, M1050V, M1016V, M1081V, M595V.
Identifiers: ClinVar variation 403011 (VCV000403011.5), dbSNP rs58077086, ClinGen allele CA5102618.
Genomic context (GRCh38, chr9:83,850,216, plus strand): 5'-TCAGTCTCCGGTCACACTGCAATTTTAGATGGTCCAGTGCAGATTCTAATTCACGAACCA[T>C]ATTATCCCGTTCCAGAACTTTCATTTTCATTTCTTCATTATATAACTGTTGTTTCCGTTC-3'
Protein context (NP_060046.1, residues 1137-1157): MKMKVLERDN[Met1147Val]VRELESALDH